The following is an entry in ClinVar:

NM_001276270.2(MBD4):c.1544-3C>T

Gene: MBD4 (methyl-CpG binding domain 4, DNA glycosylase; minus strand). Cytogenetic location: 3q21.3.
Variant type: single nucleotide variant.
Coding change: c.1544-3C>T on transcript NM_001276270.2 (MANE Select); 3 bases into the intron before coding-DNA position 1544, C replaced by T.
Molecular consequence: intron variant.
Genome position (GRCh38, 1-based): chr3:129,432,609, G>A on the plus strand (C>T on the coding strand, the complement: MBD4 is on the minus strand). VCF-style: chr3-129432609-G-A. GRCh37 (hg19) VCF-style: chr3-129151452-G-A.
Other names: c.608-3C>T (NM_001276273.2); c.1562-3C>T (NM_001276272.2, NM_003925.3, NM_001276271.2).
Identifiers: ClinVar variation 3715252 (VCV003715252.2).
Genomic context (GRCh38, chr3:129,432,609, plus strand): 5'-TATTTACCAATCCCATGAAGCTCAATTGGATACTTCCACTGCTTTGTCAGGTATTCATCT[G>A]AAGAATACAACATCCCACATTATCAGGTCAGCTTCTAAAGACACCCTCCCAAAATGTGTG-3'

ClinVar aggregate classification (germline): Uncertain significance. Review status: criteria provided, multiple submitters, no conflicts (2 of 4 stars). 2 submissions from 2 submitters: Uncertain significance (2). Last evaluated 2025-04-17.

Conditions:
Inborn genetic diseases. Identifiers: MedGen C0950123, MeSH D030342.

gnomAD v4.1: 6 of 1,613,906 alleles (0.00037%); highest among the groups gnomAD compares: Admixed American, 0.005%; no homozygotes.

Submissions (2):

Ambry Genetics
Classification: Uncertain significance for Inborn genetic diseases. Last evaluated: 2025-04-17. Review status: criteria provided, single submitter. Criteria: Ambry Variant Classification Scheme 2023. Collection method: clinical testing. Allele origin: germline.
Comment: The c.1544-3C>T intronic variant results from a C to T substitution 3 nucleotides upstream from coding exon 7 in the MBD4 gene. This nucleotide position is well conserved in available vertebrate species. In silico splice site analysis predicts that this alteration will not have any significant effect on splicing. Based on the available evidence, the clinical significance of this variant remains unclear.

Labcorp Genetics (formerly Invitae), Labcorp
Classification: Uncertain significance. Last evaluated: 2024-12-30. Review status: criteria provided, single submitter. Criteria: Invitae Variant Classification Sherloc (09022015). Collection method: clinical testing. Allele origin: germline.
Comment: This sequence change falls in intron 6 of the MBD4 gene. It does not directly change the encoded amino acid sequence of the MBD4 protein. It affects a nucleotide within the consensus splice site. This variant is present in population databases (no rsID available, gnomAD 0.009%). This variant has not been reported in the literature in individuals affected with MBD4-related conditions. Variants that disrupt the consensus splice site are a relatively common cause of aberrant splicing (PMID: 17576681, 9536098). Algorithms developed to predict the effect of sequence changes on RNA splicing suggest that this variant is not likely to affect RNA splicing. In summary, the available evidence is currently insufficient to determine the role of this variant in disease. Therefore, it has been classified as a Variant of Uncertain Significance.

Literature cited by the submitters: PubMed 17576681 (cited by Labcorp Genetics (formerly Invitae), Labcorp); PubMed 9536098 (cited by Labcorp Genetics (formerly Invitae), Labcorp).